The following is an entry in ClinVar:

NM_001079855.2(GYG2):c.1027C>T (p.Arg343Cys)

Gene: GYG2 (glycogenin 2; plus strand). Cytogenetic location: Xp22.33.
Variant type: single nucleotide variant.
Coding change: c.1027C>T on transcript NM_001079855.2 (MANE Select); coding-DNA position 1027, C replaced by T.
Protein change: p.Arg343Cys; replaces arginine 343 with cysteine.
Molecular consequence: missense variant.
Genome position (GRCh38, 1-based): chrX:2,861,711, C>T. VCF-style: chrX-2861711-C-T. GRCh37 (hg19) VCF-style: chrX-2779752-C-T.
Other names: c.1027C>T, p.Arg343Cys (NM_001184702.2); c.1120C>T, p.Arg374Cys (NM_001184703.2, NM_003918.3); c.562C>T, p.Arg188Cys (NM_001184704.2); short protein forms R188C, R343C, R374C.
Identifiers: ClinVar variation 4858249 (VCV004858249.1).

ClinVar aggregate classification (germline): Uncertain significance (1 of 4 stars; one submission).

Submission:

Ambry Genetics
Classification: Uncertain significance. Last evaluated: 2026-04-11. Review status: criteria provided, single submitter. Criteria: Ambry Variant Classification Scheme 2023. Collection method: clinical testing. Allele origin: germline.
Comment: The c.1120C>T (p.R374C) alteration is located in exon 9 (coding exon 8) of the GYG2 gene. This alteration results from a C to T substitution at nucleotide position 1120, causing the arginine (R) at amino acid position 374 to be replaced by a cysteine (C). Based on data from gnomAD, the T allele has an overall frequency of 0.002% (3/167241) total alleles studied. The highest observed frequency was 0.012% (2/16116) of African alleles. Based on insufficient or conflicting evidence, the clinical significance of this alteration remains unclear.